The following is an entry in ClinVar:

ClinVar aggregate classification (germline): Likely benign. Review status: reviewed by expert panel (3 of 4 stars). 3 submissions from 3 submitters: Likely benign (1). 2 of the submissions do not count toward it. Last evaluated 2023-08-15.

Conditions:
Glanzmann thrombasthenia. Also called: PLATELET GLYCOPROTEIN IIb-IIIa DEFICIENCY; BLEEDING DISORDER, PLATELET-TYPE, 2; THROMBASTHENIA OF GLANZMANN AND NAEGELI; Thrombasthenia; Glanzmann's thrombasthenia. Identifiers: Orphanet 849, MedGen C0040015, MONDO:0100326.

Allele frequency attached by ClinVar (database versions not stated): ExAC 0.00001; TOPMed 0.00002; gnomAD exomes 0.00003; gnomAD 0.00004.
gnomAD v4.1: 27 of 1,614,022 alleles (0.0017%); highest among the groups gnomAD compares: African/African-American, 0.0067%; no homozygotes.

Submissions (3):

ClinGen Platelet Disorders Variant Curation Expert Panel, ClinGen
Classification: Likely benign for Glanzmann thrombasthenia. Last evaluated: 2023-08-15. Review status: reviewed by expert panel. Criteria: ClinGen Platelet ACMG Specifications v2-1. Collection method: curation. Allele origin: germline. Inheritance: Autosomal recessive inheritance.
Comment: After a comprehensive literature search of the synonymous variant NM_000212.3(ITGB3):c.2331G>A (p.Thr777=), no individuals with Glanzmann Thrombasthenia were reported with the variant. The variant has a high minor allele frequency of 0.0002004 (5/24952 alleles) in the African/African American population, which does not meet threshold for PM2_supporting or BS1. In silico predictor spliceAI revealed that the synonymous mutation is not expected to impact splicing and a PhyloP score of -2.347 shows that the nucleotide position is not highly conserved (BP4, BP7). In summary, this variant meets the criteria to be classified as Likely Benign for autosomal recessive Glanzmann Thrombasthenia based on the ACMG/AMP criteria applied, as specified by the ClinGen PD VCEP: BP4 and BP7 (PD VCEP specifications version 2.1).

Labcorp Genetics (formerly Invitae), Labcorp
Classification: Likely benign. Last evaluated: 2026-01-24. Review status: criteria provided, single submitter. Criteria: Invitae Variant Classification Sherloc (09022015). Collection method: clinical testing. Allele origin: germline. Not counted in ClinVar's aggregate classification.

Illumina Laboratory Services, Illumina
Classification: Uncertain significance for Glanzmann thrombasthenia 1. Last evaluated: 2018-01-12. Review status: criteria provided, single submitter. Criteria: ICSL Variant Classification Criteria 13 December 2019. Collection method: clinical testing. Allele origin: germline. Not counted in ClinVar's aggregate classification.

NM_000212.3(ITGB3):c.2331G>A (p.Thr777=)

Genes: EFCAB13-DT (EFCAB13 divergent transcript; minus strand), ITGB3 (integrin subunit beta 3; plus strand). Cytogenetic location: 17q21.32.
Variant type: single nucleotide variant.
Coding change: c.2331G>A on transcript NM_000212.3 (MANE Select); coding-DNA position 2331, G replaced by A.
Protein change: p.Thr777=; no amino-acid change (threonine 777 retained).
Molecular consequence: synonymous variant.
Genome position (GRCh38, 1-based): chr17:47,310,168, G>A. VCF-style: chr17-47310168-G-A. GRCh37 (hg19) VCF-style: chr17-45387534-G-A.
Other names: NM_000212.3(ITGB3):c.2331G>A; p.Thr777=.
Identifiers: ClinVar variation 890179 (VCV000890179.7), dbSNP rs566831897, ClinGen allele CA8623518.